The following is an entry in ClinVar:

ClinVar aggregate classification (germline): Uncertain significance (1 of 4 stars; one submission).

Submission:

GeneDx
Classification: Uncertain significance. Last evaluated: 2023-01-04. Review status: criteria provided, single submitter. Criteria: GeneDx Variant Classification Process June 2021. Collection method: clinical testing. Allele origin: germline. Affected: yes.
Comment: Not observed at significant frequency in large population cohorts (gnomAD); In silico analysis supports that this missense variant has a deleterious effect on protein structure/function; Has not been previously published as pathogenic or benign to our knowledge

NM_001394062.1(MACF1):c.14209G>C (p.Asp4737His)

Gene: MACF1 (microtubule actin crosslinking factor 1; plus strand). Cytogenetic location: 1p34.3.
Variant type: single nucleotide variant.
Coding change: c.14209G>C on transcript NM_001394062.1 (MANE Select); coding-DNA position 14209, G replaced by C.
Protein change: p.Asp4737His; replaces aspartic acid 4737 with histidine.
Molecular consequence: missense variant.
Genome position (GRCh38, 1-based): chr1:39,385,794, G>C. VCF-style: chr1-39385794-G-C. GRCh37 (hg19) VCF-style: chr1-39851466-G-C.
Other names: c.8023G>C, p.Asp2675His (NM_012090.5); short protein forms D2675H, D4737H.
Identifiers: ClinVar variation 2571845 (VCV002571845.1), dbSNP rs2522623987, ClinGen allele CA339835844.